The following is an entry in ClinVar:

NM_152743.4(BRAT1):c.1569C>T (p.Phe523=)

Gene: BRAT1 (BRCA1 associated ATM activator 1; minus strand). Cytogenetic location: 7p22.3.
Variant type: single nucleotide variant.
Coding change: c.1569C>T on transcript NM_152743.4 (MANE Select); coding-DNA position 1569, C replaced by T.
Protein change: p.Phe523=; no amino-acid change (phenylalanine 523 retained).
Molecular consequence: synonymous variant. On other transcripts: non-coding transcript variant (1).
Genome position (GRCh38, 1-based): chr7:2,539,572, G>A on the plus strand (C>T on the coding strand, the complement: BRAT1 is on the minus strand). VCF-style: chr7-2539572-G-A. GRCh37 (hg19) VCF-style: chr7-2579206-G-A.
Other names: c.1569C>T, p.Phe523= (NM_001350626.2); c.1044C>T, p.Phe348= (NM_001350627.2).
Identifiers: ClinVar variation 3052859 (VCV003052859.2), dbSNP rs1778981347, ClinGen allele CA453454794.

ClinVar aggregate classification (germline): Likely benign (0 of 4 stars; one submission).

Conditions:
BRAT1-related disorder. Also called: BRAT1-related disorders; BRAT1-related condition.

gnomAD v4.1: 1 of 1,578,064 alleles (0.000063%); highest among the groups gnomAD compares: Non-Finnish European, 0.000086%; no homozygotes.

Submission:

PreventionGenetics, part of Exact Sciences
Classification: Likely benign for BRAT1-related condition. Last evaluated: 2019-08-14. Review status: no assertion criteria provided. Collection method: clinical testing. Allele origin: germline.
Comment: This variant is classified as likely benign based on ACMG/AMP sequence variant interpretation guidelines (Richards et al. 2015 PMID: 25741868, with internal and published modifications).